The following is an entry in ClinVar:

ClinVar aggregate classification (germline): Likely benign. Review status: criteria provided, multiple submitters, no conflicts (2 of 4 stars). 3 submissions from 3 submitters: Likely benign (3). Last evaluated 2026-01-17.

Conditions:
ASRGL1-related disorder. Also called: ASRGL1-related condition.

Allele frequency attached by ClinVar (database versions not stated): 1000 Genomes Project 0.00200; 1000 Genomes Project 30x 0.00234; gnomAD exomes 0.00037 and 0.00045; ExAC 0.00056; gnomAD 0.00132 and 0.00137; TOPMed 0.00134; ESP Exome Variant Server 0.00177.
gnomAD v4.1: 764 of 1,613,248 alleles (0.047%); highest among the groups gnomAD compares: African/African-American, 0.4%; 1 homozygote.

Submissions (3):

Labcorp Genetics (formerly Invitae), Labcorp
Classification: Likely benign. Last evaluated: 2026-01-17. Review status: criteria provided, single submitter. Criteria: Invitae Variant Classification Sherloc (09022015). Collection method: clinical testing. Allele origin: germline.

PreventionGenetics, part of Exact Sciences
Classification: Likely benign for ASRGL1-related condition. Last evaluated: 2025-07-31. Review status: criteria provided, single submitter. Criteria: ACMG Guidelines, 2015. Collection method: clinical testing. Allele origin: germline.
Comment: This variant is classified as likely benign based on ACMG/AMP sequence variant interpretation guidelines (Richards et al. 2015 PMID: 25741868, with internal and published modifications).

Breakthrough Genomics
Classification: Likely benign. Review status: criteria provided, single submitter. Criteria: ACMG Guidelines, 2015. Collection method: not provided. Allele origin: germline. Inheritance: Unknown mechanism. Affected: yes.

NM_001083926.2(ASRGL1):c.472C>G (p.Gln158Glu)

Gene: ASRGL1 (asparaginase and isoaspartyl peptidase 1; plus strand). Cytogenetic location: 11q12.3.
Variant type: single nucleotide variant.
Coding change: c.472C>G on transcript NM_001083926.2 (MANE Select); coding-DNA position 472, C replaced by G.
Protein change: p.Gln158Glu; replaces glutamine 158 with glutamic acid.
Molecular consequence: missense variant.
Genome position (GRCh38, 1-based): chr11:62,357,125, C>G. VCF-style: chr11-62357125-C-G. GRCh37 (hg19) VCF-style: chr11-62124597-C-G.
Other names: c.472C>G, p.Gln158Glu (NM_025080.4); c.472C>G (NM_025080.3); short protein forms Q158E.
Identifiers: ClinVar variation 1158390 (VCV001158390.11), dbSNP rs116195544, ClinGen allele CA6043205.